The following is an entry in ClinVar:

NM_152743.4(BRAT1):c.1114C>G (p.Leu372Val)

Gene: BRAT1 (BRCA1 associated ATM activator 1; minus strand). Cytogenetic location: 7p22.3.
Variant type: single nucleotide variant.
Coding change: c.1114C>G on transcript NM_152743.4 (MANE Select); coding-DNA position 1114, C replaced by G.
Protein change: p.Leu372Val; replaces leucine 372 with valine.
Molecular consequence: missense variant. On other transcripts: non-coding transcript variant (1).
Genome position (GRCh38, 1-based): chr7:2,541,738, G>C on the plus strand (C>G on the coding strand, the complement: BRAT1 is on the minus strand). VCF-style: chr7-2541738-G-C. GRCh37 (hg19) VCF-style: chr7-2581372-G-C.
Other names: c.1114C>G, p.Leu372Val (NM_001350626.2); c.589C>G, p.Leu197Val (NM_001350627.2); short protein forms L197V, L372V.
Identifiers: ClinVar variation 1484035 (VCV001484035.7), dbSNP rs1779183892, ClinGen allele CA366629612.

ClinVar aggregate classification (germline): Uncertain significance (1 of 4 stars; one submission).

Conditions:
Neonatal-onset encephalopathy with rigidity and seizures. Also called: Lethal neonatal spasticity-epileptic encephalopathy syndrome. Identifiers: Orphanet 435845, MedGen C3281029, MONDO:0013784, OMIM 614498.

Allele frequency attached by ClinVar (database versions not stated): gnomAD exomes below 0.00001; gnomAD 0.00001; TOPMed 0.00001.
gnomAD v4.1: 4 of 1,610,012 alleles (0.00025%); highest among the groups gnomAD compares: Admixed American, 0.005%; no homozygotes.

Submission:

Labcorp Genetics (formerly Invitae), Labcorp
Classification: Uncertain significance for Neonatal-onset encephalopathy with rigidity and seizures. Last evaluated: 2021-01-08. Review status: criteria provided, single submitter. Criteria: Invitae Variant Classification Sherloc (09022015). Collection method: clinical testing. Allele origin: germline.
Comment: This variant is not present in population databases (ExAC no frequency). This sequence change replaces leucine with valine at codon 372 of the BRAT1 protein (p.Leu372Val). The leucine residue is highly conserved and there is a small physicochemical difference between leucine and valine. This variant has not been reported in the literature in individuals with BRAT1-related conditions. Algorithms developed to predict the effect of missense changes on protein structure and function (SIFT, PolyPhen-2, Align-GVGD) all suggest that this variant is likely to be tolerated, but these predictions have not been confirmed by published functional studies and their clinical significance is uncertain. In summary, the available evidence is currently insufficient to determine the role of this variant in disease. Therefore, it has been classified as a Variant of Uncertain Significance.